The following is an entry in ClinVar:

ClinVar aggregate classification (germline): Pathogenic (1 of 4 stars; one submission).

Conditions:
Ellis-van Creveld syndrome (EVC). Also called: EVC-Related Ellis-van Creveld Syndrome; EVC2-Related Ellis-van Creveld Syndrome; MESOECTODERMAL DYSPLASIA; Chondroectodermal dysplasia. Identifiers: Orphanet 289, MedGen C0013903, MONDO:0009162, OMIM 225500.
Curry-Hall syndrome (WAD). Also called: WEYERS ACRODENTAL DYSOSTOSIS. Identifiers: Orphanet 952, MedGen C0457013, MONDO:0008673, OMIM 193530.

Submission:

Labcorp Genetics (formerly Invitae), Labcorp
Classification: Pathogenic for Curry-Hall syndrome; Ellis-van Creveld syndrome. Last evaluated: 2023-12-12. Review status: criteria provided, single submitter. Criteria: Invitae Variant Classification Sherloc (09022015). Collection method: clinical testing. Allele origin: germline.
Comment: This sequence change creates a premature translational stop signal (p.Ser81Phefs*20) in the EVC gene. It is expected to result in an absent or disrupted protein product. Loss-of-function variants in EVC are known to be pathogenic (PMID: 23220543). This variant is not present in population databases (gnomAD no frequency). This variant has not been reported in the literature in individuals affected with EVC-related conditions. For these reasons, this variant has been classified as Pathogenic.

Literature cited by the submitters: PubMed 23220543.

NM_153717.3(EVC):c.241dup (p.Ser81fs)

Gene: EVC (EvC ciliary complex subunit 1; plus strand). Cytogenetic location: 4p16.2.
Variant type: Duplication.
Coding change: c.241dup on transcript NM_153717.3 (MANE Select); coding-DNA position 241, one base duplicated (T; older notation c.241dupT).
Protein change: p.Ser81fs; shifts the reading frame from serine 81.
Molecular consequence: frameshift variant.
Genome position (GRCh38, 1-based): chr4:5,719,314, T duplicated. VCF-style (leftmost placement, unchanged base first): chr4-5719313-C-CT. GRCh37 (hg19) VCF-style: chr4-5721040-C-CT.
Other names: c.241dup, p.Ser81fs (NM_001306090.2, NM_001306092.2); short protein forms S81fs.
Identifiers: ClinVar variation 2953171 (VCV002953171.3), dbSNP rs2474375517, ClinGen allele CA2740091157.